The following is an entry in ClinVar:

ClinVar aggregate classification (germline): Pathogenic/Likely pathogenic. Review status: criteria provided, multiple submitters, no conflicts (2 of 4 stars). 3 submissions from 3 submitters: Pathogenic (2); Likely pathogenic (1). Last evaluated 2025-08-25.

Conditions:
SKIN/HAIR/EYE PIGMENTATION 1, BLUE/NONBLUE EYES (SHEP1). Also called: EYE COLOR 3; EYE COLOR, BLUE/NONBLUE; EYE COLOR, BROWN/BLUE; HAIR COLOR 3; SKIN/HAIR/EYE PIGMENTATION 1, BLOND/BROWN HAIR; SKIN/HAIR/EYE PIGMENTATION 1, BLUE/BROWN EYES. Identifiers: MedGen C1856895, OMIM 227220.

Allele frequency attached by ClinVar (database versions not stated): gnomAD exomes below 0.00001.
gnomAD v4.1: 1 of 1,613,134 alleles (0.000062%); highest among the groups gnomAD compares: Non-Finnish European, 0.000085%; no homozygotes.

Submissions (3):

Labcorp Genetics (formerly Invitae), Labcorp
Classification: Pathogenic. Last evaluated: 2025-08-25. Review status: criteria provided, single submitter. Criteria: Invitae Variant Classification Sherloc (09022015). Collection method: clinical testing. Allele origin: germline.
Comment: This sequence change affects a donor splice site in intron 22 of the OCA2 gene. It is expected to disrupt RNA splicing. Variants that disrupt the donor or acceptor splice site typically lead to a loss of protein function (PMID: 16199547), and loss-of-function variants in OCA2 are known to be pathogenic (PMID: 19865097, 21541274). This variant is not present in population databases (gnomAD no frequency). Disruption of this splice site has been observed in individual(s) with oculocutaneous albinism (PMID: 29345414). In at least one individual the data is consistent with being in trans (on the opposite chromosome) from a pathogenic variant. ClinVar contains an entry for this variant (Variation ID: 424410). Algorithms developed to predict the effect of sequence changes on RNA splicing suggest that this variant may disrupt the consensus splice site. For these reasons, this variant has been classified as Pathogenic.

Baylor Genetics
Classification: Likely pathogenic for SKIN/HAIR/EYE PIGMENTATION 1, BLUE/NONBLUE EYES. Last evaluated: 2023-02-15. Review status: criteria provided, single submitter. Criteria: ACMG Guidelines, 2015. Collection method: clinical testing. Allele origin: unknown.

GeneDx
Classification: Pathogenic. Last evaluated: 2017-03-17. Review status: criteria provided, single submitter. Criteria: GeneDx Variant Classification (06012015). Collection method: clinical testing. Allele origin: germline. Affected: yes.
Comment: The c.2338+2T>G variant in the OCA2 gene has not been reported previously as a pathogenic variant nor as a benign variant, to our knowledge. This splice site variant destroys the canonical splice donor site in intron 22. It is predicted to cause abnormal gene splicing, either leading to an abnormal message that is subject to nonsense-mediated mRNA decay, or to an abnormal protein product if the message is used for protein translation. The c.2338+2T>G variant is not observed in large population cohorts (Lek et al., 2016; 1000 Genomes Consortium et al., 2015; Exome Variant Server). We interpret c.2338+2T>G as a pathogenic variant.

Literature cited by the submitters: PubMed 16199547 (cited by Labcorp Genetics (formerly Invitae), Labcorp); PubMed 19865097 (cited by Labcorp Genetics (formerly Invitae), Labcorp); PubMed 21541274 (cited by Labcorp Genetics (formerly Invitae), Labcorp); PubMed 29345414 (cited by Labcorp Genetics (formerly Invitae), Labcorp).

NM_000275.3(OCA2):c.2338+2T>G

Gene: OCA2 (OCA2 melanosomal transmembrane protein; minus strand). Cytogenetic location: 15q13.1.
Variant type: single nucleotide variant.
Coding change: c.2338+2T>G on transcript NM_000275.3 (MANE Select); the canonical splice donor site of the intron after coding-DNA position 2338, T replaced by G.
Molecular consequence: splice donor variant.
Genome position (GRCh38, 1-based): chr15:27,851,380, A>C on the plus strand (T>G on the coding strand, the complement: OCA2 is on the minus strand). VCF-style: chr15-27851380-A-C. GRCh37 (hg19) VCF-style: chr15-28096526-A-C.
Other names: c.2266+2T>G (NM_001300984.2).
Identifiers: ClinVar variation 424410 (VCV000424410.4), dbSNP rs1064796956, ClinGen allele CA16619914.
Genomic context (GRCh38, chr15:27,851,380, plus strand): 5'-CTTTGGGCTGAACCACAGTGTGGGCGTGCACCCCCACCCCCATGCAGTCAGCAGCCCCTT[A>C]CCTCCCAGGCAAGCACCGAAGGCCAGGGCATACATGAGCGGCGGTGCGGGCAGGCCAACC-3'